The following is an entry in ClinVar:

NM_000094.4(COL7A1):c.3212del (p.Ala1071fs)

Gene: COL7A1 (collagen type VII alpha 1 chain; minus strand). Cytogenetic location: 3p21.31.
Variant type: Deletion.
Coding change: c.3212del on transcript NM_000094.4 (MANE Select); coding-DNA position 3212, one base deleted (C; older notation c.3212delC).
Protein change: p.Ala1071fs; shifts the reading frame from alanine 1071.
Molecular consequence: frameshift variant.
Genome position (GRCh38, 1-based): chr3:48,587,036, G deleted on the plus strand (C on the coding strand, the reverse complement: COL7A1 is on the minus strand). VCF-style (leftmost placement, unchanged base first): chr3-48587035-AG-A. GRCh37 (hg19) VCF-style: chr3-48624468-AG-A.
Other names: short protein forms A1071fs.
Identifiers: ClinVar variation 2130543 (VCV002130543.4), dbSNP rs2531223524, ClinGen allele CA2580069926.

ClinVar aggregate classification (germline): Pathogenic (1 of 4 stars; one submission).

Submission:

Labcorp Genetics (formerly Invitae), Labcorp
Classification: Pathogenic. Last evaluated: 2022-04-25. Review status: criteria provided, single submitter. Criteria: Invitae Variant Classification Sherloc (09022015). Collection method: clinical testing. Allele origin: germline.
Comment: Algorithms developed to predict the effect of sequence changes on RNA splicing suggest that this variant may disrupt the consensus splice site. This variant has not been reported in the literature in individuals affected with COL7A1-related conditions. For these reasons, this variant has been classified as Pathogenic. This variant is not present in population databases (gnomAD no frequency). This sequence change creates a premature translational stop signal (p.Ala1071Valfs*38) in the COL7A1 gene. It is expected to result in an absent or disrupted protein product. Loss-of-function variants in COL7A1 are known to be pathogenic (PMID: 16971478).

Literature cited by the submitters: PubMed 16971478.